The following is an entry in ClinVar:

ClinVar aggregate classification (germline): Benign (1 of 4 stars; one submission).

Allele frequency attached by ClinVar (database versions not stated): gnomAD 0.18055 and 0.18173; TOPMed 0.18900; 1000 Genomes Project 30x 0.21393; 1000 Genomes Project 0.21446.
gnomAD v4.1: 27,447 of 151,966 alleles (18%); highest among the groups gnomAD compares: East Asian, 33%; 2,815 homozygotes.

Submission:

GeneDx
Classification: Benign. Last evaluated: 2018-06-18. Review status: criteria provided, single submitter. Criteria: GeneDx Variant Classification (06012015). Collection method: clinical testing. Allele origin: germline. Affected: yes.
Comment: This variant is considered likely benign or benign based on one or more of the following criteria: it is a conservative change, it occurs at a poorly conserved position in the protein, it is predicted to be benign by multiple in silico algorithms, and/or has population frequency not consistent with disease.

NM_001165963.4(SCN1A):c.2590-285A>G

Gene: SCN1A (sodium voltage-gated channel alpha subunit 1; minus strand). Cytogenetic location: 2q24.3.
Variant type: single nucleotide variant.
Coding change: c.2590-285A>G on transcript NM_001165963.4 (MANE Select); 285 bases into the intron before coding-DNA position 2590, A replaced by G.
Molecular consequence: intron variant.
Genome position (GRCh38, 1-based): chr2:166,038,417, T>C on the plus strand (A>G on the coding strand, the complement: SCN1A is on the minus strand). VCF-style: chr2-166038417-T-C. GRCh37 (hg19) VCF-style: chr2-166894927-T-C.
Other names: c.2557-285A>G (NM_001353949.2, NM_001353950.2, NM_001353951.2 and 2 more transcripts); c.2506-285A>G (NM_001353958.2, NM_001353957.2, NM_001165964.3); c.2590-285A>G (NM_001202435.3, NM_001353948.2); c.2554-285A>G (NM_001353955.2, NM_001353954.2); c.2503-285A>G (NM_001353960.2); c.148-285A>G (NM_001353961.2).
Identifiers: ClinVar variation 668824 (VCV000668824.1), dbSNP rs79990586, ClinGen allele CA11036203.